The following is an entry in ClinVar:

ClinVar aggregate classification (germline): Pathogenic. Review status: criteria provided, multiple submitters, no conflicts (2 of 4 stars). 3 submissions from 3 submitters: Pathogenic (3). Last evaluated 2025-09-04.

Conditions:
Familial multiple polyposis syndrome (FAP). Also called: Familial Adenomatous Polyposis (FAP); Familial polyposis; Classic familial adenomatous polyposis; Familial adenomatous polyposis; Familial intestinal polyposis. Identifiers: Orphanet 733, MedGen C0032580, MONDO:0021055. Disease mechanism: loss of function.
Familial adenomatous polyposis 1 (FAP1). Also called: FAMILIAL ADENOMATOUS POLYPOSIS 1, ATTENUATED; POLYPOSIS, ADENOMATOUS INTESTINAL. Identifiers: MedGen C2713442, MONDO:0021056, OMIM 175100. Disease mechanism: loss of function.

Submissions (3):

Women's Health and Genetics/Laboratory Corporation of America, LabCorp
Classification: Pathogenic for Familial multiple polyposis syndrome. Last evaluated: 2025-09-04. Review status: criteria provided, single submitter. Criteria: LabCorp Variant Classification Summary - May 2015. Collection method: clinical testing. Allele origin: germline.
Comment: Variant summary: APC c.4987G>T (p.Glu1663X) results in a premature termination codon, predicted to cause a truncation of the encoded protein, although nonsense mediated decay is not predicted, pathogenic variants downstream have been observed in our laboratory. The variant was absent in 250332 control chromosomes. To our knowledge, no occurrence of c.4987G>T in individuals affected with APC-related conditions and no experimental evidence demonstrating its impact on protein function have been reported. ClinVar contains an entry for this variant (Variation ID: 236611). Based on the evidence outlined above, the variant was classified as pathogenic.

Myriad Genetics, Inc.
Classification: Pathogenic for Familial adenomatous polyposis 1. Last evaluated: 2023-05-12. Review status: criteria provided, single submitter. Criteria: Myriad Autosomal Dominant, Autosomal Recessive and X-Linked Classification Criteria (2023). Collection method: clinical testing. Allele origin: unknown.
Comment: This variant is considered pathogenic. This variant creates a termination codon and is predicted to result in premature protein truncation.

Labcorp Genetics (formerly Invitae), Labcorp
Classification: Pathogenic for Familial adenomatous polyposis 1. Last evaluated: 2022-10-07. Review status: criteria provided, single submitter. Criteria: Invitae Variant Classification Sherloc (09022015). Collection method: clinical testing. Allele origin: germline.
Comment: This sequence change creates a premature translational stop signal (p.Glu1663*) in the APC gene. While this is not anticipated to result in nonsense mediated decay, it is expected to disrupt the last 1181 amino acid(s) of the APC protein. This variant is not present in population databases (gnomAD no frequency). This variant has not been reported in the literature in individuals affected with APC-related conditions. ClinVar contains an entry for this variant (Variation ID: 236611). This variant is expected to disrupt the EB1 and HDLG binding sites, which mediate interactions with the cytoskeleton (PMID: 15311282, 17293347). While functional studies have not been performed to directly test the effect on APC protein function, this suggests that disruption of the C-terminal portion of the protein is functionally important. A different truncation (p.Tyr2645Lysfs*14) that lies downstream of this variant has been determined to be pathogenic (PMID: 9824584, 1316610, 27081525, 8381579, 22135120, Invitae). This suggests that deletion of this region of the APC protein is causative of disease. For these reasons, this variant has been classified as Pathogenic.

Literature cited by the submitters: PubMed 15311282 (cited by Labcorp Genetics (formerly Invitae), Labcorp); PubMed 17293347 (cited by Labcorp Genetics (formerly Invitae), Labcorp); PubMed 9824584 (cited by Labcorp Genetics (formerly Invitae), Labcorp); PubMed 1316610 (cited by Labcorp Genetics (formerly Invitae), Labcorp); PubMed 27081525 (cited by Labcorp Genetics (formerly Invitae), Labcorp); PubMed 8381579 (cited by Labcorp Genetics (formerly Invitae), Labcorp); PubMed 22135120 (cited by Labcorp Genetics (formerly Invitae), Labcorp).

NM_000038.6(APC):c.4987G>T (p.Glu1663Ter)

Gene: APC (APC regulator of Wnt signaling pathway; plus strand). Cytogenetic location: 5q22.2.
Variant type: single nucleotide variant.
Coding change: c.4987G>T on transcript NM_000038.6 (MANE Select); coding-DNA position 4987, G replaced by T.
Protein change: p.Glu1663Ter; replaces glutamic acid 1663 with a stop codon.
Molecular consequence: nonsense.
Genome position (GRCh38, 1-based): chr5:112,840,581, G>T. VCF-style: chr5-112840581-G-T. GRCh37 (hg19) VCF-style: chr5-112176278-G-T.
Other names: c.4987G>T, p.Glu1663Ter (NM_001127510.3, NM_001354895.2); c.4933G>T, p.Glu1645Ter (NM_001127511.3); c.5041G>T, p.Glu1681Ter (NM_001354896.2); c.5017G>T, p.Glu1673Ter (NM_001354897.2); c.4912G>T, p.Glu1638Ter (NM_001354898.2); c.4903G>T, p.Glu1635Ter (NM_001354899.2); c.4864G>T, p.Glu1622Ter (NM_001354900.2); c.4810G>T, p.Glu1604Ter (NM_001354901.2); and 5 more; short protein forms E1645*, E1663*, E1604*, E1638*, E1562*, E1572*, E1622*, E1673*.
Identifiers: ClinVar variation 236611 (VCV000236611.12), dbSNP rs758987855, ClinGen allele CA10582321.